The following is an entry in ClinVar:

NM_001164508.2(NEB):c.52G>C (p.Val18Leu)

Gene: NEB (nebulin; minus strand). Cytogenetic location: 2q23.3.
Variant type: single nucleotide variant.
Coding change: c.52G>C on transcript NM_001164508.2 (MANE Select); coding-DNA position 52, G replaced by C.
Protein change: p.Val18Leu; replaces valine 18 with leucine.
Molecular consequence: missense variant.
Genome position (GRCh38, 1-based): chr2:151,729,641, C>G on the plus strand (G>C on the coding strand, the complement: NEB is on the minus strand). VCF-style: chr2-151729641-C-G. GRCh37 (hg19) VCF-style: chr2-152586155-C-G.
Other names: c.52G>C, p.Val18Leu (NM_001164507.2, NM_001271208.2, NM_004543.5); short protein forms V18L.
Identifiers: ClinVar variation 1056689 (VCV001056689.9), dbSNP rs2150994592, ClinGen allele CA348796975.
Genomic context (GRCh38, chr2:151,729,641, plus strand): 5'-AATGCAGTTTATGCAGCTGTGGGCTGGGCCTTACCTCTCCCGGCACCTCTTCGTAAACCA[C>G]TTCTTCTGTGTAGTACTGTAAATAGAGCACAAAGGCATTGGCAAGAGAACCAAAGCAGAA-3'
Protein context (NP_001157980.2, residues 8-28): EEVVEYYTEE[Val18Leu]VYEEVPGETI

ClinVar aggregate classification (germline): Uncertain significance (1 of 4 stars; one submission).

Conditions:
Nemaline myopathy 2 (NEM2). Also called: Nemaline myopathy 2, autosomal recessive. Identifiers: MedGen C1850569, MONDO:0009725, OMIM 256030.

gnomAD v4.1: 1 of 1,613,390 alleles (0.000062%); highest among the groups gnomAD compares: Non-Finnish European, 0.000085%; no homozygotes.

Submission:

Labcorp Genetics (formerly Invitae), Labcorp
Classification: Uncertain significance for Nemaline myopathy 2. Last evaluated: 2020-01-15. Review status: criteria provided, single submitter. Criteria: Invitae Variant Classification Sherloc (09022015). Collection method: clinical testing. Allele origin: germline.
Comment: This variant has not been reported in the literature in individuals with NEB-related conditions. This variant is not present in population databases (ExAC no frequency). This sequence change replaces valine with leucine at codon 18 of the NEB protein (p.Val18Leu). The valine residue is weakly conserved and there is a small physicochemical difference between valine and leucine. Algorithms developed to predict the effect of missense changes on protein structure and function are either unavailable or do not agree on the potential impact of this missense change (SIFT: "Tolerated"; PolyPhen-2: "Not Available"; Align-GVGD: "Class C0"). In summary, the available evidence is currently insufficient to determine the role of this variant in disease. Therefore, it has been classified as a Variant of Uncertain Significance.